The following is an entry in ClinVar:

ClinVar aggregate classification (germline): Uncertain significance (1 of 4 stars; one submission).

Submission:

Labcorp Genetics (formerly Invitae), Labcorp
Classification: Uncertain significance. Last evaluated: 2021-08-30. Review status: criteria provided, single submitter. Criteria: Invitae Variant Classification Sherloc (09022015). Collection method: clinical testing. Allele origin: germline.
Comment: This sequence change replaces proline with histidine at codon 632 of the DGKZ protein (p.Pro632His). The proline residue is highly conserved and there is a moderate physicochemical difference between proline and histidine. This variant is not present in population databases (ExAC no frequency). This variant has not been reported in the literature in individuals affected with DGKZ-related conditions. Algorithms developed to predict the effect of missense changes on protein structure and function (SIFT, PolyPhen-2, Align-GVGD) all suggest that this variant is likely to be disruptive. In summary, the available evidence is currently insufficient to determine the role of this variant in disease. Therefore, it has been classified as a Variant of Uncertain Significance.

NM_001199267.2(DGKZ):c.1328C>A (p.Pro443His)

Gene: DGKZ (diacylglycerol kinase zeta; plus strand). Cytogenetic location: 11p11.2.
Variant type: single nucleotide variant.
Coding change: c.1328C>A on transcript NM_001199267.2 (MANE Select); coding-DNA position 1328, C replaced by A.
Protein change: p.Pro443His; replaces proline 443 with histidine.
Molecular consequence: missense variant.
Genome position (GRCh38, 1-based): chr11:46,374,161, C>A. VCF-style: chr11-46374161-C-A. GRCh37 (hg19) VCF-style: chr11-46395711-C-A.
Other names: c.1895C>A, p.Pro632His (NM_001105540.2); c.1331C>A, p.Pro444His (NM_001199266.2, NM_003646.4); c.1262C>A, p.Pro421His (NM_001199268.2); c.1379C>A, p.Pro460His (NM_201532.3); c.1343C>A, p.Pro448His (NM_201533.3); short protein forms P448H, P443H, P632H, P444H, P421H, P460H.
Identifiers: ClinVar variation 1408623 (VCV001408623.6), dbSNP rs1944288715, ClinGen allele CA380222003.